The following is an entry in ClinVar:

NM_138694.4(PKHD1):c.3334A>G (p.Thr1112Ala)

Gene: PKHD1 (PKHD1 ciliary IPT domain containing fibrocystin/polyductin; minus strand). Cytogenetic location: 6p12.2.
Variant type: single nucleotide variant.
Coding change: c.3334A>G on transcript NM_138694.4 (MANE Select); coding-DNA position 3334, A replaced by G.
Protein change: p.Thr1112Ala; replaces threonine 1112 with alanine.
Molecular consequence: missense variant.
Genome position (GRCh38, 1-based): chr6:52,033,060, T>C on the plus strand (A>G on the coding strand, the complement: PKHD1 is on the minus strand). VCF-style: chr6-52033060-T-C. GRCh37 (hg19) VCF-style: chr6-51897858-T-C.
Other names: c.3334A>G, p.Thr1112Ala (NM_170724.3); short protein forms T1112A.
Identifiers: ClinVar variation 2630600 (VCV002630600.1), dbSNP rs1803313233, ClinGen allele CA364441260.

ClinVar aggregate classification (germline): Uncertain significance (1 of 4 stars; one submission).

Conditions:
PKHD1-related disorder. Also called: PKHD1-related condition.

Allele frequency attached by ClinVar (database versions not stated): gnomAD 0.00001; TOPMed 0.00001.

Submission:

PreventionGenetics, part of Exact Sciences
Classification: Uncertain significance for PKHD1-related condition. Last evaluated: 2023-02-23. Review status: criteria provided, single submitter. Criteria: ACMG Guidelines, 2015. Collection method: clinical testing. Allele origin: germline.
Comment: The PKHD1 c.3334A>G variant is predicted to result in the amino acid substitution p.Thr1112Ala. To our knowledge, this variant has not been reported in the literature or in a large population database, indicating this variant is rare. At this time, the clinical significance of this variant is uncertain due to the absence of conclusive functional and genetic evidence.